The following is an entry in ClinVar:

ClinVar aggregate classification (germline): Uncertain significance (1 of 4 stars; one submission).

Conditions:
Epileptic encephalopathy. Identifiers: MedGen C0543888, HP:0200134.

gnomAD v4.1: 17 of 1,571,498 alleles (0.0011%); highest among the groups gnomAD compares: African/African-American, 0.012%; no homozygotes.

Submission:

Labcorp Genetics (formerly Invitae), Labcorp
Classification: Uncertain significance for Epileptic encephalopathy. Last evaluated: 2020-11-30. Review status: criteria provided, single submitter. Criteria: Invitae Variant Classification Sherloc (09022015). Collection method: clinical testing. Allele origin: germline.
Comment: In summary, the available evidence is currently insufficient to determine the role of this variant in disease. Therefore, it has been classified as a Variant of Uncertain Significance. Algorithms developed to predict the effect of missense changes on protein structure and function are either unavailable or do not agree on the potential impact of this missense change (SIFT: "Deleterious"; PolyPhen-2: "Benign"; Align-GVGD: "Class C55"). This variant has not been reported in the literature in individuals with RYR3-related conditions. This variant is present in population databases (rs368925275, ExAC 0.01%). This sequence change replaces alanine with valine at codon 1533 of the RYR3 protein (p.Ala1533Val). The alanine residue is highly conserved and there is a small physicochemical difference between alanine and valine.

NM_001036.6(RYR3):c.4598C>T (p.Ala1533Val)

Gene: RYR3 (ryanodine receptor 3; plus strand). Cytogenetic location: 15q14.
Variant type: single nucleotide variant.
Coding change: c.4598C>T on transcript NM_001036.6 (MANE Select); coding-DNA position 4598, C replaced by T.
Protein change: p.Ala1533Val; replaces alanine 1533 with valine.
Molecular consequence: missense variant.
Genome position (GRCh38, 1-based): chr15:33,660,399, C>T. VCF-style: chr15-33660399-C-T. GRCh37 (hg19) VCF-style: chr15-33952600-C-T.
Other names: c.4598C>T, p.Ala1533Val (NM_001243996.4); short protein forms A1533V.
Identifiers: ClinVar variation 1381469 (VCV001381469.8), dbSNP rs368925275, ClinGen allele CA7459052.